The following is an entry in ClinVar:

ClinVar aggregate classification (germline): Uncertain significance. Review status: criteria provided, multiple submitters, no conflicts (2 of 4 stars). 3 submissions from 3 submitters: Uncertain significance (3). Last evaluated 2025-11-05.

Conditions:
Cystic fibrosis (CF). Also called: MUCOVISCIDOSIS. Identifiers: Orphanet 586, MedGen C0010674, MONDO:0009061, OMIM 219700. Disease mechanism: loss of function.

Allele frequency attached by ClinVar (database versions not stated): gnomAD exomes below 0.00001.
gnomAD v4.1: 3 of 1,580,302 alleles (0.00019%); highest among the groups gnomAD compares: Admixed American, 0.005%; no homozygotes.

Submissions (3):

Dasa
Classification: Uncertain significance. Last evaluated: 2025-11-05. Review status: criteria provided, single submitter. Criteria: DASA Assertion Criteria. Collection method: clinical testing. Allele origin: germline.
Comment: NM_000492.4(CFTR):c.3963G>A (p.Glu1321=) is a synonymous variant predicted not to alter the encoded amino acid sequence. This variant is rare in population databases. Computational prediction algorithms are consistent with a deleterious effect. The currently available literature and clinical evidence are not sufficient to establish a definitive association between this variant and the reported condition. Therefore, this variant is classified as a variant of uncertain significance.

Blueprint Genetics
Classification: Uncertain significance. Last evaluated: 2024-09-06. Review status: criteria provided, single submitter. Criteria: ACMG Guidelines, 2015. Collection method: clinical testing. Allele origin: germline.

Ambry Genetics
Classification: Uncertain significance for Cystic fibrosis. Last evaluated: 2022-05-30. Review status: criteria provided, single submitter. Criteria: Ambry Variant Classification Scheme 2023. Collection method: clinical testing. Allele origin: germline.
Comment: The c.3963G>A variant (also known as p.E1321E) is located in coding exon 24 of the CFTR gene. This variant results from a G to A substitution at nucleotide position 3963. This nucleotide substitution does not change the glutamic acid at codon 1321. However, this change occurs in the last base pair of coding exon 24, which makes it likely to have some effect on normal mRNA splicing. This nucleotide position is highly conserved in available vertebrate species. In silico splice site analysis predicts that this alteration will weaken the native splice donor site. Since supporting evidence is limited at this time, the clinical significance of this alteration remains unclear.

NM_000492.4(CFTR):c.3963G>A (p.Glu1321=)

Gene: CFTR (CF transmembrane conductance regulator; plus strand). Cytogenetic location: 7q31.2.
Variant type: single nucleotide variant.
Coding change: c.3963G>A on transcript NM_000492.4 (MANE Select); coding-DNA position 3963, G replaced by A.
Protein change: p.Glu1321=; no amino-acid change (glutamic acid 1321 retained).
Molecular consequence: synonymous variant.
Genome position (GRCh38, 1-based): chr7:117,652,931, G>A. VCF-style: chr7-117652931-G-A. GRCh37 (hg19) VCF-style: chr7-117292985-G-A.
Identifiers: ClinVar variation 1736537 (VCV001736537.5), dbSNP rs2485171272, ClinGen allele CA457229966.
Genomic context (GRCh38, chr7:117,652,931, plus strand): 5'-AAAAAACTTGGATCCCTATGAACAGTGGAGTGATCAAGAAATATGGAAAGTTGCAGATGA[G>A]GTAAGGCTGCTAACTGAAATGATTTTGAAAGGGGTAACTCATACCAACACAAATGGCTGA-3'
Protein context (NP_000483.3, residues 1311-1331): SDQEIWKVAD[Glu1321=]VGLRSVIEQF